The following is an entry in ClinVar:

NM_000126.4(ETFA):c.597G>A (p.Trp199Ter)

Gene: ETFA (electron transfer flavoprotein subunit alpha; minus strand). Cytogenetic location: 15q24.2.
Variant type: single nucleotide variant.
Coding change: c.597G>A on transcript NM_000126.4 (MANE Select); coding-DNA position 597, G replaced by A.
Protein change: p.Trp199Ter; replaces tryptophan 199 with a stop codon.
Molecular consequence: nonsense.
Genome position (GRCh38, 1-based): chr15:76,285,704, C>T on the plus strand (G>A on the coding strand, the complement: ETFA is on the minus strand). VCF-style: chr15-76285704-C-T. GRCh37 (hg19) VCF-style: chr15-76578045-C-T.
Other names: c.450G>A, p.Trp150Ter (NM_001127716.2); short protein forms W150*, W199*.
Identifiers: ClinVar variation 2894130 (VCV002894130.3), dbSNP rs2543022350, ClinGen allele CA393513242.
Genomic context (GRCh38, chr15:76,285,704, plus strand): 5'-TACCACCACTTTGGCACCTGTTAGCTCTGGTCGATCACTTTTTGTTAATTTCTGGTCAAG[C>T]CACTCTGATATTTCCACTGGTGAAGTACTTGATGCTGCATACATTAATACATAATAAAAC-3'

ClinVar aggregate classification (germline): Pathogenic (1 of 4 stars; one submission).

Conditions:
Multiple acyl-CoA dehydrogenase deficiency (MADD). Also called: Glutaric aciduria, type 2; Glutaric acidemia type II; GA 2; ETHYLMALONIC-ADIPICACIDURIA; GA II; Glutaric Acidemia type 2. Identifiers: Orphanet 26791, MedGen C0268596, MONDO:0009282, OMIM 231680.

Submission:

Labcorp Genetics (formerly Invitae), Labcorp
Classification: Pathogenic for Multiple acyl-CoA dehydrogenase deficiency. Last evaluated: 2023-05-12. Review status: criteria provided, single submitter. Criteria: Invitae Variant Classification Sherloc (09022015). Collection method: clinical testing. Allele origin: germline.
Comment: For these reasons, this variant has been classified as Pathogenic. This variant has not been reported in the literature in individuals affected with ETFA-related conditions. This variant is not present in population databases (gnomAD no frequency). This sequence change creates a premature translational stop signal (p.Trp199*) in the ETFA gene. It is expected to result in an absent or disrupted protein product. Loss-of-function variants in ETFA are known to be pathogenic (PMID: 16510302, 23785301).

Literature cited by the submitters: PubMed 16510302; PubMed 23785301.